The following is an entry in ClinVar:

NM_177438.3(DICER1):c.5190G>A (p.Gly1730=)

Gene: DICER1 (dicer 1, ribonuclease III; minus strand). Cytogenetic location: 14q32.13.
Variant type: single nucleotide variant.
Coding change: c.5190G>A on transcript NM_177438.3 (MANE Select); coding-DNA position 5190, G replaced by A.
Protein change: p.Gly1730=; no amino-acid change (glycine 1730 retained).
Molecular consequence: synonymous variant.
Genome position (GRCh38, 1-based): chr14:95,094,062, C>T on the plus strand (G>A on the coding strand, the complement: DICER1 is on the minus strand). VCF-style: chr14-95094062-C-T. GRCh37 (hg19) VCF-style: chr14-95560399-C-T.
Other names: c.5190G>A, p.Gly1730= (NM_001195573.1, NM_001271282.3, NM_001291628.2 and 1 more transcripts).
Identifiers: ClinVar variation 477247 (VCV000477247.41), dbSNP rs371759757, ClinGen allele CA7330705.

ClinVar aggregate classification (germline): Benign/Likely benign. Review status: criteria provided, multiple submitters, no conflicts (2 of 4 stars). 9 submissions from 9 submitters: Benign (2); Likely benign (6). 1 of the submissions does not count toward it. Last evaluated 2026-04-20.

Conditions:
DICER1-related disorder. Also called: DICER1-related condition.
DICER1-related tumor predisposition. Also called: DICER1 syndrome; DICER1-related pleuropulmonary blastoma cancer predisposition syndrome. Identifiers: Orphanet 284343, MedGen C3839822, MONDO:0100216.
Hereditary cancer-predisposing syndrome. Also called: Hereditary neoplastic syndrome; Tumor predisposition; Neoplastic Syndromes, Hereditary; Hereditary Cancer Syndrome. Identifiers: Orphanet 140162, MedGen C0027672, MeSH D009386, MONDO:0015356.

Allele frequency attached by ClinVar (database versions not stated): gnomAD 0.00001; gnomAD exomes 0.00001; TOPMed 0.00001; ExAC 0.00002; ESP Exome Variant Server 0.00008.
gnomAD v4.1: 17 of 1,613,904 alleles (0.0011%); highest among the groups gnomAD compares: Middle Eastern, 0.033%; no homozygotes.

Submissions (9):

Myriad Genetics, Inc.
Classification: Benign for DICER1-related tumor predisposition. Last evaluated: 2026-04-20. Review status: criteria provided, single submitter. Criteria: Myriad Autosomal Dominant, Autosomal Recessive and X-Linked Classification Criteria (2023). Collection method: clinical testing. Allele origin: unknown.
Comment: This variant is considered benign. This variant is a silent/synonymous amino acid change and it is not expected to impact splicing.

Labcorp Genetics (formerly Invitae), Labcorp
Classification: Benign for DICER1-related tumor predisposition. Last evaluated: 2026-01-14. Review status: criteria provided, single submitter. Criteria: Invitae Variant Classification Sherloc (09022015). Collection method: clinical testing. Allele origin: germline.

Center for Genomic Medicine, Rigshospitalet, Copenhagen University Hospital
Classification: Likely benign. Last evaluated: 2025-03-04. Review status: criteria provided, single submitter. Criteria: ACMG Guidelines, 2015. Collection method: clinical testing. Allele origin: germline.

Hereditary Cancer Group, L’Institut d'Investigació Biomèdica de Bellvitge
Classification: Likely benign for Hereditary cancer-predisposing syndrome. Last evaluated: 2024-12-19. Review status: criteria provided, single submitter. Criteria: Hatton et al. (Hum Mutat. 2023). Collection method: clinical testing. Allele origin: germline. Inheritance: Autosomal dominant inheritance. Affected: yes.
Comment: BP4, BP7

Blueprint Genetics
Classification: Likely benign. Last evaluated: 2024-08-26. Review status: criteria provided, single submitter. Criteria: ACMG Guidelines, 2015. Collection method: clinical testing. Allele origin: germline.

CeGaT Center for Human Genetics Tuebingen
Classification: Likely benign. Last evaluated: 2024-04-01. Review status: criteria provided, single submitter. Criteria: CeGaT Center For Human Genetics Tuebingen Variant Classification Criteria Version 2. Collection method: clinical testing. Allele origin: germline. Affected: yes. Observed: 1 variant allele.
Comment: DICER1: BP4, BP7

Sema4
Classification: Likely benign for Hereditary cancer-predisposing syndrome. Last evaluated: 2020-12-29. Review status: criteria provided, single submitter. Criteria: Sema4 Curation Guidelines. Collection method: curation. Allele origin: germline.

Ambry Genetics
Classification: Likely benign for Hereditary cancer-predisposing syndrome. Last evaluated: 2017-03-01. Review status: criteria provided, single submitter. Criteria: Ambry Variant Classification Scheme 2023. Collection method: clinical testing. Allele origin: germline.

PreventionGenetics, part of Exact Sciences
Classification: Likely benign for DICER1-related condition. Last evaluated: 2019-05-30. Review status: no assertion criteria provided. Collection method: clinical testing. Allele origin: germline. Not counted in ClinVar's aggregate classification.
Comment: This variant is classified as likely benign based on ACMG/AMP sequence variant interpretation guidelines (Richards et al. 2015 PMID: 25741868, with internal and published modifications).